The following is an entry in ClinVar:

NM_000245.4(MET):c.372C>G (p.Thr124=)

Gene: MET (MET proto-oncogene, receptor tyrosine kinase; plus strand). Cytogenetic location: 7q31.2.
Variant type: single nucleotide variant.
Coding change: c.372C>G on transcript NM_000245.4 (MANE Select); coding-DNA position 372, C replaced by G.
Protein change: p.Thr124=; no amino-acid change (threonine 124 retained).
Molecular consequence: synonymous variant. On other transcripts: intron variant (1).
Genome position (GRCh38, 1-based): chr7:116,699,456, C>G. VCF-style: chr7-116699456-C-G. GRCh37 (hg19) VCF-style: chr7-116339510-C-G.
Other names: c.372C>G, p.Thr124= (NM_001127500.3, NM_001324401.3); c.-91+26879C>G (NM_001324402.2).
Identifiers: ClinVar variation 824134 (VCV000824134.17), dbSNP rs574911056, ClinGen allele CA4447983.

ClinVar aggregate classification (germline): Benign/Likely benign. Review status: criteria provided, multiple submitters, no conflicts (2 of 4 stars). 4 submissions from 4 submitters: Benign (1); Likely benign (3). Last evaluated 2025-10-27.

Conditions:
Renal cell carcinoma. Identifiers: Orphanet 217071, MedGen C0007134, MeSH D002292, MONDO:0005086, HP:0005584.
Hereditary cancer-predisposing syndrome. Also called: Neoplastic Syndromes, Hereditary; Tumor predisposition; Hereditary neoplastic syndrome; Hereditary Cancer Syndrome. Identifiers: Orphanet 140162, MedGen C0027672, MeSH D009386, MONDO:0015356.
Papillary renal cell carcinoma type 1 (RCCP1). Also called: Renal adenocarcinoma; Renal cell carcinoma 1; Renal cell carcinoma, somatic; RENAL CELL CARCINOMA, PAPILLARY, 1, SOMATIC. Identifiers: Orphanet 47044, MedGen C1336839, OMIM 605074, HP:0011797.

Allele frequency attached by ClinVar (database versions not stated): gnomAD below 0.00001 and 0.00001; gnomAD exomes 0.00001 and 0.00002; ExAC 0.00003; 1000 Genomes Project 30x 0.00016; 1000 Genomes Project 0.00020.
gnomAD v4.1: 22 of 1,614,010 alleles (0.0014%); highest among the groups gnomAD compares: South Asian, 0.022%; no homozygotes.

Submissions (4):

Labcorp Genetics (formerly Invitae), Labcorp
Classification: Likely benign for Renal cell carcinoma. Last evaluated: 2025-10-27. Review status: criteria provided, single submitter. Criteria: Invitae Variant Classification Sherloc (09022015). Collection method: clinical testing. Allele origin: germline.

Center for Genomic Medicine, Rigshospitalet, Copenhagen University Hospital
Classification: Likely benign. Last evaluated: 2025-03-04. Review status: criteria provided, single submitter. Criteria: ACMG Guidelines, 2015. Collection method: clinical testing. Allele origin: germline.

Myriad Genetics, Inc.
Classification: Benign for Papillary renal cell carcinoma type 1. Last evaluated: 2024-11-06. Review status: criteria provided, single submitter. Criteria: Myriad Autosomal Dominant, Autosomal Recessive and X-Linked Classification Criteria (2023). Collection method: clinical testing. Allele origin: unknown.
Comment: This variant is considered benign. This variant is a silent/synonymous amino acid change and it is not expected to impact splicing.

Ambry Genetics
Classification: Likely benign for Hereditary cancer-predisposing syndrome. Last evaluated: 2018-12-19. Review status: criteria provided, single submitter. Criteria: Ambry Variant Classification Scheme 2023. Collection method: clinical testing. Allele origin: germline.